The following is an entry in ClinVar:

ClinVar aggregate classification (germline): Uncertain significance (1 of 4 stars; one submission).

Submission:

Labcorp Genetics (formerly Invitae), Labcorp
Classification: Uncertain significance. Last evaluated: 2022-05-26. Review status: criteria provided, single submitter. Criteria: Invitae Variant Classification Sherloc (09022015). Collection method: clinical testing. Allele origin: germline.
Comment: In summary, the available evidence is currently insufficient to determine the role of this variant in disease. Therefore, it has been classified as a Variant of Uncertain Significance. Algorithms developed to predict the effect of missense changes on protein structure and function (SIFT, PolyPhen-2, Align-GVGD) all suggest that this variant is likely to be tolerated. This variant has not been reported in the literature in individuals affected with ZNF335-related conditions. This variant is not present in population databases (gnomAD no frequency). This sequence change replaces proline, which is neutral and non-polar, with alanine, which is neutral and non-polar, at codon 717 of the ZNF335 protein (p.Pro717Ala).

NM_022095.4(ZNF335):c.2149C>G (p.Pro717Ala)

Gene: ZNF335 (zinc finger protein 335; minus strand). Cytogenetic location: 20q13.12.
Variant type: single nucleotide variant.
Coding change: c.2149C>G on transcript NM_022095.4 (MANE Select); coding-DNA position 2149, C replaced by G.
Protein change: p.Pro717Ala; replaces proline 717 with alanine.
Molecular consequence: missense variant.
Genome position (GRCh38, 1-based): chr20:45,959,305, G>C on the plus strand (C>G on the coding strand, the complement: ZNF335 is on the minus strand). VCF-style: chr20-45959305-G-C. GRCh37 (hg19) VCF-style: chr20-44587944-G-C.
Other names: short protein forms P717A.
Identifiers: ClinVar variation 1998051 (VCV001998051.4), dbSNP rs769795182, ClinGen allele CA409244492.
Genomic context (GRCh38, chr20:45,959,305, plus strand): 5'-TGTGCTGCTGCTTCAGCTCCTCAATCTGCTGCAGAGAGAAGAAGGGGCGACGGCGGGAGG[G>C]GGGCTCCTCAGGGTGGCGCCTCCCCCATTCCTCGAAGCTGCTTGCGTGTCGGCACCGTAC-3'
Protein context (NP_071378.1, residues 707-727): EWGRRHPEEP[Pro717Ala]SRRRPFFSLQ